The following is an entry in ClinVar:

ClinVar aggregate classification (germline): Likely pathogenic (1 of 4 stars; one submission).

Conditions:
Familial dysautonomia. Also called: HSAN III; FD. Identifiers: Orphanet 1764, MedGen C0013364, MONDO:0009131, OMIM 223900. Disease mechanism: loss of function.

Submission:

Myriad Genetics, Inc.
Classification: Likely pathogenic for Familial dysautonomia. Last evaluated: 2022-01-24. Review status: criteria provided, single submitter. Criteria: Myriad Women's Health Autosomal Recessive and X-Linked Classification Criteria (2021). Collection method: clinical testing. Allele origin: unknown.
Comment: NM_003640.3(ELP1):c.3502G>T(E1168*) is expected to be pathogenic in the context of familial dysautonomia. This variant is predicted to lead to an abnormal or absent protein product due to the creation of a premature termination codon in ELP1, a gene where loss-of-function variants are known to be pathogenic. Please note: this variant was assessed in the context of healthy population screening.

NM_003640.5(ELP1):c.3502G>T (p.Glu1168Ter)

Gene: ELP1 (elongator acetyltransferase complex subunit 1; minus strand). Cytogenetic location: 9q31.3.
Variant type: single nucleotide variant.
Coding change: c.3502G>T on transcript NM_003640.5 (MANE Select); coding-DNA position 3502, G replaced by T.
Protein change: p.Glu1168Ter; replaces glutamic acid 1168 with a stop codon.
Molecular consequence: nonsense.
Genome position (GRCh38, 1-based): chr9:108,879,516, C>A on the plus strand (G>T on the coding strand, the complement: ELP1 is on the minus strand). VCF-style: chr9-108879516-C-A. GRCh37 (hg19) VCF-style: chr9-111641796-C-A.
Other names: c.3160G>T, p.Glu1054Ter (NM_001318360.2); c.2455G>T, p.Glu819Ter (NM_001330749.2); short protein forms E1054*, E1168*, E819*.
Identifiers: ClinVar variation 1724050 (VCV001724050.2), dbSNP rs1827833640, ClinGen allele CA374411870.
Genomic context (GRCh38, chr9:108,879,516, plus strand): 5'-TGGAGTTACTATGGGAGTATTTGCCACTCATCTCACTGCCACTCACGACACTGCTAGTTT[C>A]AGAGAAGAGGTCTGACTCTTGCCCGTGGGGTACCTCATCATCTAGAAAAGAAGAACCAGA-3'